The following is an entry in ClinVar:

ClinVar aggregate classification (germline): Uncertain significance (1 of 4 stars; one submission).

Allele frequency attached by ClinVar (database versions not stated): ExAC 0.00001; gnomAD 0.00001; TOPMed 0.00001.

Submission:

Labcorp Genetics (formerly Invitae), Labcorp
Classification: Uncertain significance. Last evaluated: 2025-07-28. Review status: criteria provided, single submitter. Criteria: Invitae Variant Classification Sherloc (09022015). Collection method: clinical testing. Allele origin: germline.
Comment: This sequence change replaces valine, which is neutral and non-polar, with isoleucine, which is neutral and non-polar, at codon 324 of the CTU2 protein (p.Val324Ile). This variant is present in population databases (rs774672391, gnomAD 0.007%). This variant has not been reported in the literature in individuals affected with CTU2-related conditions. ClinVar contains an entry for this variant (Variation ID: 1928453). Invitae Evidence Modeling of protein sequence and biophysical properties (such as structural, functional, and spatial information, amino acid conservation, physicochemical variation, residue mobility, and thermodynamic stability) indicates that this missense variant is not expected to disrupt CTU2 protein function with a negative predictive value of 80%. In summary, the available evidence is currently insufficient to determine the role of this variant in disease. Therefore, it has been classified as a Variant of Uncertain Significance.

NM_001012759.3(CTU2):c.970G>A (p.Val324Ile)

Gene: CTU2 (cytosolic thiouridylase subunit 2; plus strand). Cytogenetic location: 16q24.3.
Variant type: single nucleotide variant.
Coding change: c.970G>A on transcript NM_001012759.3 (MANE Select); coding-DNA position 970, G replaced by A.
Protein change: p.Val324Ile; replaces valine 324 with isoleucine.
Molecular consequence: missense variant.
Genome position (GRCh38, 1-based): chr16:88,713,743, G>A. VCF-style: chr16-88713743-G-A. GRCh37 (hg19) VCF-style: chr16-88780151-G-A.
Other names: c.970G>A, p.Val324Ile (NM_001012762.3); c.1183G>A, p.Val395Ile (NM_001318507.2); c.709G>A, p.Val237Ile (NM_001318513.2); short protein forms V324I, V395I, V237I.
Identifiers: ClinVar variation 1928453 (VCV001928453.5), dbSNP rs774672391, ClinGen allele CA8230672.